The following is an entry in ClinVar:

ClinVar aggregate classification (germline): Uncertain significance (1 of 4 stars; one submission).

Conditions:
Combined immunodeficiency due to LRBA deficiency. Also called: Common variable immunodeficiency 8, with autoimmunity. Identifiers: Orphanet 445018, MedGen C3553512, MONDO:0013863, OMIM 614700.

Allele frequency attached by ClinVar (database versions not stated): TOPMed below 0.00001; ExAC 0.00001; gnomAD 0.00001; ESP Exome Variant Server 0.00008.
gnomAD v4.1: 31 of 1,614,066 alleles (0.0019%); highest among the groups gnomAD compares: Non-Finnish European, 0.0026%; no homozygotes.

Submission:

Labcorp Genetics (formerly Invitae), Labcorp
Classification: Uncertain significance for Combined immunodeficiency due to LRBA deficiency. Last evaluated: 2022-10-01. Review status: criteria provided, single submitter. Criteria: Invitae Variant Classification Sherloc (09022015). Collection method: clinical testing. Allele origin: germline.
Comment: This sequence change replaces threonine, which is neutral and polar, with serine, which is neutral and polar, at codon 1694 of the LRBA protein (p.Thr1694Ser). The frequency data for this variant in the population databases is considered unreliable, as metrics indicate poor data quality at this position in the gnomAD database. This variant has not been reported in the literature in individuals affected with LRBA-related conditions. Advanced modeling of protein sequence and biophysical properties (such as structural, functional, and spatial information, amino acid conservation, physicochemical variation, residue mobility, and thermodynamic stability) performed at Invitae indicates that this missense variant is not expected to disrupt LRBA protein function. In summary, the available evidence is currently insufficient to determine the role of this variant in disease. Therefore, it has been classified as a Variant of Uncertain Significance.

NM_001364905.1(LRBA):c.5080A>T (p.Thr1694Ser)

Gene: LRBA (LPS responsive beige-like anchor protein; minus strand). Cytogenetic location: 4q31.3.
Variant type: single nucleotide variant.
Coding change: c.5080A>T on transcript NM_001364905.1 (MANE Select); coding-DNA position 5080, A replaced by T.
Protein change: p.Thr1694Ser; replaces threonine 1694 with serine.
Molecular consequence: missense variant.
Genome position (GRCh38, 1-based): chr4:150,828,271, T>A on the plus strand (A>T on the coding strand, the complement: LRBA is on the minus strand). VCF-style: chr4-150828271-T-A. GRCh37 (hg19) VCF-style: chr4-151749423-T-A.
Other names: c.5080A>T, p.Thr1694Ser (NM_001199282.3, NM_001367550.1, NM_006726.5); short protein forms T1694S.
Identifiers: ClinVar variation 2170664 (VCV002170664.1), dbSNP rs371416022, ClinGen allele CA3102585.
Genomic context (GRCh38, chr4:150,828,271, plus strand): 5'-CCACAGATAGATCACCAAGGGCTCCAAGGCAGGCTGGTGGCAGAAGGGCAGGATCCACTG[T>A]GACTCCATCTGCTGGTATGTTAACCAAGCTTCGGAGAATGTCTTTCACATTGACGTTTTT-3'
Protein context (NP_001351834.1, residues 1684-1704): SLVNIPADGV[Thr1694Ser]VDPALLPPAC